The following is an entry in ClinVar:

NM_000632.4(ITGAM):c.1742A>G (p.Gln581Arg)

Gene: ITGAM (integrin subunit alpha M; plus strand). Cytogenetic location: 16p11.2.
Variant type: single nucleotide variant.
Coding change: c.1742A>G on transcript NM_000632.4 (MANE Select); coding-DNA position 1742, A replaced by G.
Protein change: p.Gln581Arg; replaces glutamine 581 with arginine.
Molecular consequence: missense variant.
Genome position (GRCh38, 1-based): chr16:31,321,275, A>G. VCF-style: chr16-31321275-A-G. GRCh37 (hg19) VCF-style: chr16-31332596-A-G.
Other names: c.1745A>G, p.Gln582Arg (NM_001145808.2); short protein forms Q581R, Q582R.
Identifiers: ClinVar variation 1399080 (VCV001399080.8), dbSNP rs747656862, ClinGen allele CA8025652.

ClinVar aggregate classification (germline): Uncertain significance (1 of 4 stars; one submission).

Allele frequency attached by ClinVar (database versions not stated): gnomAD 0.00001; gnomAD exomes 0.00002 and 0.00004; ExAC 0.00007.
gnomAD v4.1: 28 of 1,613,852 alleles (0.0017%); highest among the groups gnomAD compares: South Asian, 0.024%; no homozygotes.

Submission:

Labcorp Genetics (formerly Invitae), Labcorp
Classification: Uncertain significance. Last evaluated: 2025-01-18. Review status: criteria provided, single submitter. Criteria: Invitae Variant Classification Sherloc (09022015). Collection method: clinical testing. Allele origin: germline.
Comment: This sequence change replaces glutamine, which is neutral and polar, with arginine, which is basic and polar, at codon 581 of the ITGAM protein (p.Gln581Arg). This variant is present in population databases (rs747656862, gnomAD 0.03%). This variant has not been reported in the literature in individuals affected with ITGAM-related conditions. ClinVar contains an entry for this variant (Variation ID: 1399080). An algorithm developed to predict the effect of missense changes on protein structure and function (PolyPhen-2) suggests that this variant is likely to be tolerated. In summary, the available evidence is currently insufficient to determine the role of this variant in disease. Therefore, it has been classified as a Variant of Uncertain Significance.